The following is an entry in ClinVar:

NM_001114753.3(ENG):c.482A>C (p.Glu161Ala)

Gene: ENG (endoglin; minus strand). Cytogenetic location: 9q34.11.
Variant type: single nucleotide variant.
Coding change: c.482A>C on transcript NM_001114753.3 (MANE Select); coding-DNA position 482, A replaced by C.
Protein change: p.Glu161Ala; replaces glutamic acid 161 with alanine.
Molecular consequence: missense variant. On other transcripts: 5 prime UTR variant (1).
Genome position (GRCh38, 1-based): chr9:127,826,551, T>G on the plus strand (A>C on the coding strand, the complement: ENG is on the minus strand). VCF-style: chr9-127826551-T-G. GRCh37 (hg19) VCF-style: chr9-130588830-T-G.
Other names: c.482A>C, p.Glu161Ala (NM_000118.4, NM_001406715.1); c.-65A>C (NM_001278138.2); short protein forms E161A.
Identifiers: ClinVar variation 1927022 (VCV001927022.5), dbSNP rs2539077732, ClinGen allele CA374984179.

ClinVar aggregate classification (germline): Uncertain significance (1 of 4 stars; one submission).

Conditions:
Hereditary hemorrhagic telangiectasia (HHT). Also called: ORW DISEASE; Osler Weber Rendu syndrome; OSLER-RENDU-WEBER DISEASE; Osler hemorrhagic telangiectasia syndrome. Identifiers: Orphanet 774, MedGen C0039445, MONDO:0019180. Disease mechanism: loss of function.

Submission:

Labcorp Genetics (formerly Invitae), Labcorp
Classification: Uncertain significance for Hereditary hemorrhagic telangiectasia. Last evaluated: 2022-04-21. Review status: criteria provided, single submitter. Criteria: Invitae Variant Classification Sherloc (09022015). Collection method: clinical testing. Allele origin: germline.
Comment: In summary, the available evidence is currently insufficient to determine the role of this variant in disease. Therefore, it has been classified as a Variant of Uncertain Significance. Advanced modeling of protein sequence and biophysical properties (such as structural, functional, and spatial information, amino acid conservation, physicochemical variation, residue mobility, and thermodynamic stability) performed at Invitae indicates that this missense variant is not expected to disrupt ENG protein function. This variant has not been reported in the literature in individuals affected with ENG-related conditions. This variant is not present in population databases (gnomAD no frequency). This sequence change replaces glutamic acid, which is acidic and polar, with alanine, which is neutral and non-polar, at codon 161 of the ENG protein (p.Glu161Ala).